The following is an entry in ClinVar:

ClinVar aggregate classification (germline): Benign/Likely benign. Review status: criteria provided, multiple submitters, no conflicts (2 of 4 stars). 5 submissions from 5 submitters: Benign (1); Likely benign (4). Last evaluated 2025-05-05.

Conditions:
Hereditary nonpolyposis colorectal neoplasms. Identifiers: MedGen C0009405, MeSH D003123.
Endometrial carcinoma. Also called: Endometrial carcinoma, somatic. Identifiers: MedGen C0476089, MONDO:0002447, OMIM 608089, HP:0012114.
Lynch syndrome 5 (LYNCH5). Also called: Hereditary non-polyposis colorectal cancer, type 5; Colorectal cancer, hereditary nonpolyposis, type 5. Identifiers: Orphanet 144, MedGen C1833477, MONDO:0013710, OMIM 614350. Disease mechanism: loss of function.
Hereditary cancer-predisposing syndrome. Also called: Tumor predisposition; Neoplastic Syndromes, Hereditary; Hereditary neoplastic syndrome; Hereditary Cancer Syndrome. Identifiers: Orphanet 140162, MedGen C0027672, MeSH D009386, MONDO:0015356.

Allele frequency attached by ClinVar (database versions not stated): TOPMed 0.00002.

Submissions (5):

Labcorp Genetics (formerly Invitae), Labcorp
Classification: Likely benign for Hereditary nonpolyposis colorectal neoplasms. Last evaluated: 2025-05-05. Review status: criteria provided, single submitter. Criteria: Invitae Variant Classification Sherloc (09022015). Collection method: clinical testing. Allele origin: germline.

Myriad Genetics, Inc.
Classification: Benign for Lynch syndrome 5. Last evaluated: 2024-12-27. Review status: criteria provided, single submitter. Criteria: Myriad Autosomal Dominant, Autosomal Recessive and X-Linked Classification Criteria (2023). Collection method: clinical testing. Allele origin: unknown.
Comment: This variant is considered benign. This variant is a silent/synonymous amino acid change and it is not expected to impact splicing.

Blueprint Genetics
Classification: Likely benign. Last evaluated: 2023-08-31. Review status: criteria provided, single submitter. Criteria: ACMG Guidelines, 2015. Collection method: clinical testing. Allele origin: germline.

Department of Pathology and Laboratory Medicine, Sinai Health System
Classification: Likely benign for Endometrial carcinoma; Lynch syndrome 5. Last evaluated: 2020-01-08. Review status: criteria provided, single submitter. Criteria: ACMG Guidelines, 2015. Collection method: clinical testing. Allele origin: germline. Affected: yes.

Ambry Genetics
Classification: Likely benign for Hereditary cancer-predisposing syndrome. Last evaluated: 2018-02-28. Review status: criteria provided, single submitter. Criteria: Ambry Variant Classification Scheme 2023. Collection method: clinical testing. Allele origin: germline.

NM_000179.3(MSH6):c.1593C>G (p.Pro531=)

Gene: MSH6 (mutS homolog 6; plus strand). Cytogenetic location: 2p16.3.
Variant type: single nucleotide variant.
Coding change: c.1593C>G on transcript NM_000179.3 (MANE Select); coding-DNA position 1593, C replaced by G.
Protein change: p.Pro531=; no amino-acid change (proline 531 retained).
Molecular consequence: synonymous variant.
Genome position (GRCh38, 1-based): chr2:47,799,576, C>G. VCF-style: chr2-47799576-C-G. GRCh37 (hg19) VCF-style: chr2-48026715-C-G.
Other names: c.1203C>G, p.Pro401= (NM_001281492.2); c.687C>G, p.Pro229= (NM_001281493.2, NM_001281494.2).
Identifiers: ClinVar variation 794445 (VCV000794445.15), dbSNP rs1259890299, ClinGen allele CA426121391.